The following is an entry in ClinVar:

ClinVar aggregate classification (germline): Likely pathogenic (1 of 4 stars; one submission).

Conditions:
Fanconi anemia (FA). Also called: Fanconi's anemia. Identifiers: Orphanet 84, MedGen C0015625, MeSH D005199, MONDO:0019391.

Allele frequency attached by ClinVar (database versions not stated): 1000 Genomes Project 0.00020; gnomAD 0.00001; 1000 Genomes Project 30x 0.00016.
gnomAD v4.1: 3 of 1,613,648 alleles (0.00019%); highest among the groups gnomAD compares: African/African-American, 0.0027%; no homozygotes.

Submission:

Labcorp Genetics (formerly Invitae), Labcorp
Classification: Likely pathogenic for Fanconi anemia. Last evaluated: 2023-03-01. Review status: criteria provided, single submitter. Criteria: Invitae Variant Classification Sherloc (09022015). Collection method: clinical testing. Allele origin: germline.
Comment: This sequence change affects an acceptor splice site in intron 27 of the FANCI gene. It is expected to disrupt RNA splicing. Variants that disrupt the donor or acceptor splice site typically lead to a loss of protein function (PMID: 16199547), and loss-of-function variants in FANCI are known to be pathogenic (PMID: 17452773, 17460694). This variant is present in population databases (rs117921863, gnomAD 0.007%). This variant has not been reported in the literature in individuals affected with FANCI-related conditions. Algorithms developed to predict the effect of sequence changes on RNA splicing suggest that this variant may disrupt the consensus splice site. In summary, the currently available evidence indicates that the variant is pathogenic, but additional data are needed to prove that conclusively. Therefore, this variant has been classified as Likely Pathogenic.

Literature cited by the submitters: PubMed 16199547; PubMed 17452773; PubMed 17460694.

NM_001113378.2(FANCI):c.3007-1G>A

Gene: FANCI (FA complementation group I; plus strand). Cytogenetic location: 15q26.1.
Variant type: single nucleotide variant.
Coding change: c.3007-1G>A on transcript NM_001113378.2 (MANE Select); the canonical splice acceptor site of the intron before coding-DNA position 3007, G replaced by A.
Molecular consequence: splice acceptor variant.
Genome position (GRCh38, 1-based): chr15:89,303,863, G>A. VCF-style: chr15-89303863-G-A. GRCh37 (hg19) VCF-style: chr15-89847094-G-A.
Other names: c.2827-1G>A (NM_018193.3); c.3007-1G>A (NM_001376911.1); c.2728-1G>A (NM_001376910.1).
Identifiers: ClinVar variation 2718712 (VCV002718712.3), dbSNP rs117921863, ClinGen allele CA7723557.